The following is an entry in ClinVar:

NM_004655.4(AXIN2):c.1908-6G>C

Gene: AXIN2 (axin 2; minus strand). Cytogenetic location: 17q24.1.
Variant type: single nucleotide variant.
Coding change: c.1908-6G>C on transcript NM_004655.4 (MANE Select); 6 bases into the intron before coding-DNA position 1908, G replaced by C.
Molecular consequence: intron variant.
Genome position (GRCh38, 1-based): chr17:65,536,559, C>G on the plus strand (G>C on the coding strand, the complement: AXIN2 is on the minus strand). VCF-style: chr17-65536559-C-G. GRCh37 (hg19) VCF-style: chr17-63532677-C-G.
Other names: c.1713-6G>C (NM_001363813.1).
Identifiers: ClinVar variation 2784641 (VCV002784641.4), dbSNP rs2144444459, ClinGen allele CA2739268328.

ClinVar aggregate classification (germline): Likely benign. Review status: criteria provided, multiple submitters, no conflicts (2 of 4 stars). 2 submissions from 2 submitters: Likely benign (2). Last evaluated 2024-07-09.

Conditions:
Oligodontia-cancer predisposition syndrome. Also called: TOOTH AGENESIS-COLORECTAL CANCER SYNDROME. Identifiers: Orphanet 300576, MedGen C1837750, MONDO:0012075, OMIM 608615. Disease mechanism: loss of function.

Submissions (2):

Myriad Genetics, Inc.
Classification: Likely benign for Oligodontia-cancer predisposition syndrome. Last evaluated: 2024-07-09. Review status: criteria provided, single submitter. Criteria: Myriad Autosomal Dominant, Autosomal Recessive and X-Linked Classification Criteria (2023). Collection method: clinical testing. Allele origin: unknown.
Comment: This variant is considered likely benign. This variant is intronic and is not expected to impact mRNA splicing.

Labcorp Genetics (formerly Invitae), Labcorp
Classification: Likely benign for Oligodontia-cancer predisposition syndrome. Last evaluated: 2022-12-26. Review status: criteria provided, single submitter. Criteria: Invitae Variant Classification Sherloc (09022015). Collection method: clinical testing. Allele origin: germline.